The following is an entry in ClinVar:

ClinVar aggregate classification (germline): Uncertain significance (1 of 4 stars; one submission).

Submission:

Ambry Genetics
Classification: Uncertain significance. Last evaluated: 2025-10-02. Review status: criteria provided, single submitter. Criteria: Ambry Variant Classification Scheme 2023. Collection method: clinical testing. Allele origin: germline.
Comment: The p.P1682A variant (also known as c.5044C>G), located in coding exon 44 of the KIF1B gene, results from a C to G substitution at nucleotide position 5044. The proline at codon 1682 is replaced by alanine, an amino acid with highly similar properties. This amino acid position is conserved. In addition, this alteration is predicted to be deleterious by in silico analysis. Based on the available evidence, the clinical significance of this variant remains unclear.

NM_001365951.3(KIF1B):c.5182C>G (p.Pro1728Ala)

Gene: KIF1B (kinesin family member 1B; plus strand). Cytogenetic location: 1p36.22.
Variant type: single nucleotide variant.
Coding change: c.5182C>G on transcript NM_001365951.3 (MANE Select); coding-DNA position 5182, C replaced by G.
Protein change: p.Pro1728Ala; replaces proline 1728 with alanine.
Molecular consequence: missense variant.
Genome position (GRCh38, 1-based): chr1:10,374,939, C>G. VCF-style: chr1-10374939-C-G. GRCh37 (hg19) VCF-style: chr1-10434997-C-G.
Other names: c.5182C>G, p.Pro1728Ala (NM_001365952.1); c.5044C>G, p.Pro1682Ala (NM_015074.3); short protein forms P1728A, P1682A.
Identifiers: ClinVar variation 4543636 (VCV004543636.1).
Genomic context (GRCh38, chr1:10,374,939, plus strand): 5'-CTTCATTTCAAGGAGCCTCTTTACAGTAACTGGGCTAAACATTTTGTTGTCGTCCGTCGG[C>G]CTTATGTCTTCATCTATAACAGTGACAAAGACCCTGTGGAGCGTGGAATCATTAACCTGT-3'
Protein context (NP_001352880.1, residues 1718-1738): WAKHFVVVRR[Pro1728Ala]YVFIYNSDKD